The following is an entry in ClinVar:

NM_032242.4(PLXNA1):c.4499A>T (p.Tyr1500Phe)

Gene: PLXNA1 (plexin A1; plus strand). Cytogenetic location: 3q21.3.
Variant type: single nucleotide variant.
Coding change: c.4499A>T on transcript NM_032242.4 (MANE Select); coding-DNA position 4499, A replaced by T.
Protein change: p.Tyr1500Phe; replaces tyrosine 1500 with phenylalanine.
Molecular consequence: missense variant.
Genome position (GRCh38, 1-based): chr3:127,028,076, A>T. VCF-style: chr3-127028076-A-T. GRCh37 (hg19) VCF-style: chr3-126746919-A-T.
Other names: short protein forms Y1500F.
Identifiers: ClinVar variation 2045401 (VCV002045401.4), dbSNP rs2472560136, ClinGen allele CA354399194.

ClinVar aggregate classification (germline): Uncertain significance (1 of 4 stars; one submission).

Submission:

Labcorp Genetics (formerly Invitae), Labcorp
Classification: Uncertain significance. Last evaluated: 2024-10-30. Review status: criteria provided, single submitter. Criteria: Invitae Variant Classification Sherloc (09022015). Collection method: clinical testing. Allele origin: germline.
Comment: This sequence change replaces tyrosine, which is neutral and polar, with phenylalanine, which is neutral and non-polar, at codon 1500 of the PLXNA1 protein (p.Tyr1500Phe). This variant is not present in population databases (gnomAD no frequency). This variant has not been reported in the literature in individuals affected with PLXNA1-related conditions. ClinVar contains an entry for this variant (Variation ID: 2045401). Invitae Evidence Modeling of protein sequence and biophysical properties (such as structural, functional, and spatial information, amino acid conservation, physicochemical variation, residue mobility, and thermodynamic stability) indicates that this missense variant is not expected to disrupt PLXNA1 protein function with a negative predictive value of 80%. In summary, the available evidence is currently insufficient to determine the role of this variant in disease. Therefore, it has been classified as a Variant of Uncertain Significance.